The following is an entry in ClinVar:

NM_000127.3(EXT1):c.1711del (p.Ser571fs)

Gene: EXT1 (exostosin glycosyltransferase 1; minus strand). Cytogenetic location: 8q24.11.
Variant type: Deletion.
Coding change: c.1711del on transcript NM_000127.3 (MANE Select); coding-DNA position 1711, one base deleted (T; older notation c.1711delT).
Protein change: p.Ser571fs; shifts the reading frame from serine 571.
Molecular consequence: frameshift variant.
Genome position (GRCh38, 1-based): chr8:117,812,883, A deleted on the plus strand (T on the coding strand, the reverse complement: EXT1 is on the minus strand); the first of 3 consecutive A bases (chr8:117,812,883-117,812,885); deleting any one gives the same sequence. VCF-style (leftmost placement, unchanged base first): chr8-117812882-GA-G. GRCh37 (hg19) VCF-style: chr8-118825121-GA-G.
Other names: short protein forms S571fs.
Identifiers: ClinVar variation 3654653 (VCV003654653.2).

ClinVar aggregate classification (germline): Pathogenic (1 of 4 stars; one submission).

Conditions:
Multiple congenital exostosis (EXT). Also called: Hereditary multiple osteochondromas; MULTIPLE CARTILAGINOUS EXOSTOSES; Hereditary multiple exostoses; Hereditary multiple exostosis; Multiple osteochondromas; Multiple exostoses. Identifiers: Orphanet 321, MedGen C0015306, MONDO:0005508, HP:0002762.

Submission:

Labcorp Genetics (formerly Invitae), Labcorp
Classification: Pathogenic for Multiple congenital exostosis. Last evaluated: 2024-05-26. Review status: criteria provided, single submitter. Criteria: Invitae Variant Classification Sherloc (09022015). Collection method: clinical testing. Allele origin: germline.
Comment: This sequence change creates a premature translational stop signal (p.Ser571Glnfs*50) in the EXT1 gene. It is expected to result in an absent or disrupted protein product. Loss-of-function variants in EXT1 are known to be pathogenic (PMID: 10679937, 11391482, 19810120). This variant is not present in population databases (gnomAD no frequency). This variant has not been reported in the literature in individuals affected with EXT1-related conditions. For these reasons, this variant has been classified as Pathogenic.

Literature cited by the submitters: PubMed 10679937; PubMed 11391482; PubMed 19810120.